The following is an entry in ClinVar:

NM_144670.6(A2ML1):c.1081-1G>T

Gene: A2ML1 (alpha-2-macroglobulin like 1; plus strand). Cytogenetic location: 12p13.31.
Variant type: single nucleotide variant.
Coding change: c.1081-1G>T on transcript NM_144670.6 (MANE Select); the canonical splice acceptor site of the intron before coding-DNA position 1081, G replaced by T.
Molecular consequence: splice acceptor variant.
Genome position (GRCh38, 1-based): chr12:8,841,368, G>T. VCF-style: chr12-8841368-G-T. GRCh37 (hg19) VCF-style: chr12-8993964-G-T.
Identifiers: ClinVar variation 1403734 (VCV001403734.6), dbSNP rs754760292, ClinGen allele CA6435549.

ClinVar aggregate classification (germline): Uncertain significance (1 of 4 stars; one submission).

Allele frequency attached by ClinVar (database versions not stated): gnomAD 0.00001; gnomAD exomes 0.00003 and 0.00008; TOPMed below 0.00001; ExAC 0.00007.
gnomAD v4.1: 50 of 1,613,510 alleles (0.0031%); highest among the groups gnomAD compares: South Asian, 0.052%; 1 homozygote.

Submission:

Labcorp Genetics (formerly Invitae), Labcorp
Classification: Uncertain significance. Last evaluated: 2025-06-29. Review status: criteria provided, single submitter. Criteria: Invitae Variant Classification Sherloc (09022015). Collection method: clinical testing. Allele origin: germline.
Comment: This sequence change affects an acceptor splice site in intron 10 of the A2ML1 gene. It is expected to disrupt RNA splicing. Variants that disrupt the donor or acceptor splice site typically lead to a loss of protein function (PMID: 16199547), however the current clinical and genetic evidence is not sufficient to establish whether loss-of-function variants in A2ML1 cause disease. This variant is present in population databases (rs754760292, gnomAD 0.06%), and has an allele count higher than expected for a pathogenic variant. This variant has not been reported in the literature in individuals affected with A2ML1-related conditions. ClinVar contains an entry for this variant (Variation ID: 1403734). Algorithms developed to predict the effect of sequence changes on RNA splicing suggest that this variant may disrupt the consensus splice site. In summary, the available evidence is currently insufficient to determine the role of this variant in disease. Therefore, it has been classified as a Variant of Uncertain Significance.

Literature cited by the submitters: PubMed 16199547.